The following is an entry in ClinVar:

NM_007113.4(TCHH):c.2025G>A (p.Glu675=)

Gene: TCHH (trichohyalin; minus strand). Cytogenetic location: 1q21.3.
Variant type: single nucleotide variant.
Coding change: c.2025G>A on transcript NM_007113.4 (MANE Select); coding-DNA position 2025, G replaced by A.
Protein change: p.Glu675=; no amino-acid change (glutamic acid 675 retained).
Molecular consequence: synonymous variant.
Genome position (GRCh38, 1-based): chr1:152,111,192, C>T on the plus strand (G>A on the coding strand, the complement: TCHH is on the minus strand). VCF-style: chr1-152111192-C-T. GRCh37 (hg19) VCF-style: chr1-152083668-C-T.
Identifiers: ClinVar variation 3239020 (VCV003239020.20), dbSNP rs185807166.

ClinVar aggregate classification (germline): Likely benign. Review status: criteria provided, multiple submitters, no conflicts (2 of 4 stars). 2 submissions from 2 submitters: Likely benign (2). Last evaluated 2024-11-11.

Allele frequency attached by ClinVar (database versions not stated): ESP Exome Variant Server 0.00281; gnomAD 0.00291; TOPMed 0.00330; 1000 Genomes Project 0.00359.
gnomAD v4.1: 1,290 of 1,611,560 alleles (0.08%); highest among the groups gnomAD compares: African/African-American, 1.1%; 13 homozygotes.

Submissions (2):

Blueprint Genetics
Classification: Likely benign. Last evaluated: 2024-11-11. Review status: criteria provided, single submitter. Criteria: ACMG Guidelines, 2015. Collection method: clinical testing. Allele origin: germline.

CeGaT Center for Human Genetics Tuebingen
Classification: Likely benign. Last evaluated: 2024-05-01. Review status: criteria provided, single submitter. Criteria: CeGaT Center For Human Genetics Tuebingen Variant Classification Criteria Version 2. Collection method: clinical testing. Allele origin: germline. Affected: yes. Observed: 1 variant allele.
Comment: TCHH: BP4, BP7